The following is an entry in ClinVar:

ClinVar aggregate classification (germline): Uncertain significance (1 of 4 stars; one submission).

gnomAD v4.1: 12 of 1,613,382 alleles (0.00074%); highest among the groups gnomAD compares: Non-Finnish European, 0.00085%; no homozygotes.

Submission:

Labcorp Genetics (formerly Invitae), Labcorp
Classification: Uncertain significance. Last evaluated: 2024-11-11. Review status: criteria provided, single submitter. Criteria: Invitae Variant Classification Sherloc (09022015). Collection method: clinical testing. Allele origin: germline.
Comment: This sequence change replaces glycine, which is neutral and non-polar, with aspartic acid, which is acidic and polar, at codon 573 of the ADGRV1 protein (p.Gly573Asp). This variant is present in population databases (no rsID available, gnomAD 0.0009%). This variant has not been reported in the literature in individuals affected with ADGRV1-related conditions. ClinVar contains an entry for this variant (Variation ID: 1520688). Invitae Evidence Modeling of protein sequence and biophysical properties (such as structural, functional, and spatial information, amino acid conservation, physicochemical variation, residue mobility, and thermodynamic stability) indicates that this missense variant is not expected to disrupt ADGRV1 protein function with a negative predictive value of 95%. In summary, the available evidence is currently insufficient to determine the role of this variant in disease. Therefore, it has been classified as a Variant of Uncertain Significance.

NM_032119.4(ADGRV1):c.1718G>A (p.Gly573Asp)

Gene: ADGRV1 (adhesion G protein-coupled receptor V1; plus strand). Cytogenetic location: 5q14.3.
Variant type: single nucleotide variant.
Coding change: c.1718G>A on transcript NM_032119.4 (MANE Select); coding-DNA position 1718, G replaced by A.
Protein change: p.Gly573Asp; replaces glycine 573 with aspartic acid.
Molecular consequence: missense variant. On other transcripts: non-coding transcript variant (1).
Genome position (GRCh38, 1-based): chr5:90,629,418, G>A. VCF-style: chr5-90629418-G-A. GRCh37 (hg19) VCF-style: chr5-89925235-G-A.
Other names: short protein forms G573D.
Identifiers: ClinVar variation 1520688 (VCV001520688.7), dbSNP rs200789563, ClinGen allele CA121826851.
Genomic context (GRCh38, chr5:90,629,418, plus strand): 5'-TGCTTTATTCTGTACTTTACATTCCTGCTGGAGCTGTGGACCCCTTGCAAGCAAAAGAAG[G>A]CATCTTAAATATATCAAGGAGAAATGACCTCATTTTTCCAGAGCAAAAAACTCAAGTCAC-3'
Protein context (NP_115495.3, residues 563-583): GAVDPLQAKE[Gly573Asp]ILNISRRNDL